The following is an entry in ClinVar:

NM_001267550.2(TTN):c.68363T>C (p.Leu22788Pro)

Genes: TTN (titin; minus strand), TTN-AS1 (TTN antisense RNA 1; plus strand). Cytogenetic location: 2q31.2.
Variant type: single nucleotide variant.
Coding change: c.68363T>C on transcript NM_001267550.2 (MANE Select); coding-DNA position 68363, T replaced by C.
Protein change: p.Leu22788Pro; replaces leucine 22788 with proline.
Molecular consequence: missense variant.
Genome position (GRCh38, 1-based): chr2:178,578,152, A>G on the plus strand (T>C on the coding strand, the complement: TTN is on the minus strand). VCF-style: chr2-178578152-A-G. GRCh37 (hg19) VCF-style: chr2-179442879-A-G.
Other names: p.L21147P:CTT>CCT; c.63440T>C, p.Leu21147Pro (NM_001256850.1); c.41168T>C, p.Leu13723Pro (NM_003319.4); c.60659T>C, p.Leu20220Pro (NM_133378.4); c.41543T>C, p.Leu13848Pro (NM_133432.3); c.41744T>C, p.Leu13915Pro (NM_133437.4); short protein forms L21147P, L22788P, L13848P, L13723P, L13915P, L20220P.
Identifiers: ClinVar variation 202816 (VCV000202816.11), dbSNP rs745626806, ClinGen allele CA310376.

ClinVar aggregate classification (germline): Uncertain significance. Review status: criteria provided, multiple submitters, no conflicts (2 of 4 stars). 3 submissions from 3 submitters: Uncertain significance (3). Last evaluated 2025-07-01.

Conditions:
TTN-related disorder. Also called: TTN-related condition; TTN-related disease; TTN-related disorders.

Allele frequency attached by ClinVar (database versions not stated): TOPMed 0.00001; gnomAD exomes 0.00002 and 0.00004; ExAC 0.00009.
gnomAD v4.1: 27 of 1,612,874 alleles (0.0017%); highest among the groups gnomAD compares: Non-Finnish European, 0.0022%; no homozygotes.

Submissions (3):

CeGaT Center for Human Genetics Tuebingen
Classification: Uncertain significance. Last evaluated: 2025-07-01. Review status: criteria provided, single submitter. Criteria: CeGaT Center For Human Genetics Tuebingen Variant Classification Criteria Version 2. Collection method: clinical testing. Allele origin: germline. Affected: yes. Observed: 1 variant allele.
Comment: TTN: PM2

PreventionGenetics, part of Exact Sciences
Classification: Uncertain significance for TTN-related condition. Last evaluated: 2025-04-15. Review status: criteria provided, single submitter. Criteria: ACMG Guidelines, 2015. Collection method: clinical testing. Allele origin: germline.
Comment: The TTN c.68363T>C variant is predicted to result in the amino acid substitution p.Leu22788Pro. To our knowledge, this variant has not been reported in the literature. This variant is reported in 0.0098% of alleles in individuals of European (Non-Finnish) descent in gnomAD. At this time, the clinical significance of this variant is uncertain due to the absence of conclusive functional and genetic evidence.

GeneDx
Classification: Uncertain significance. Last evaluated: 2013-06-05. Review status: criteria provided, single submitter. Criteria: GeneDx Variant Classification (06012015). Collection method: clinical testing. Allele origin: germline. Affected: yes.
Comment: Missense variants in the TTN gene are considered 'unclassified' if they are not previously reported in the literature and do not have >1% frequency in the population to be considered a polymorphism. Research indicates that truncating mutations in the TTN gene are expected to account for approximately 25% of familial and 18% of sporadic idiopathic DCM; however, truncating variants in the TTN gene have been reported in approximately 3% of reported control alleles. There has been little investigation into non-truncating variants. (Herman D et al. Truncations of titin causing dilated cardiomyopathy. N Eng J Med 366:619-628, 2012) The variant is found in DCM panel(s).